The following is an entry in ClinVar:

NM_024740.2(ALG9):c.59C>A (p.Thr20Lys)

Genes: ALG9 (ALG9 alpha-1,2-mannosyltransferase; minus strand), LOC130006752 (ATAC-STARR-seq lymphoblastoid silent region 3902; plus strand). Cytogenetic location: 11q23.1.
Variant type: single nucleotide variant.
Coding change: c.59C>A on transcript NM_024740.2 (MANE Select); coding-DNA position 59, C replaced by A.
Protein change: p.Thr20Lys; replaces threonine 20 with lysine.
Molecular consequence: missense variant. On other transcripts: 5 prime UTR variant (3).
Genome position (GRCh38, 1-based): chr11:111,871,424, G>T on the plus strand (C>A on the coding strand, the complement: ALG9 is on the minus strand). VCF-style: chr11-111871424-G-T. GRCh37 (hg19) VCF-style: chr11-111742148-G-T.
Other names: c.59C>A, p.Thr20Lys (NM_001077690.1, NM_001352417.1, NM_001352418.1); c.-316C>A (NM_001352409.1); c.-459C>A (NM_001352410.1, NM_001352413.1); short protein forms T20K.
Identifiers: ClinVar variation 1448207 (VCV001448207.6), dbSNP rs1555158969, ClinGen allele CA382616708.

ClinVar aggregate classification (germline): Uncertain significance (1 of 4 stars; one submission).

Conditions:
ALG9 congenital disorder of glycosylation (CDG1L). Also called: CONGENITAL DISORDER OF GLYCOSYLATION, TYPE Il; CDG Il; ALG9-CDG. Identifiers: Orphanet 79328, MedGen C2931006, MONDO:0012117, OMIM 608776.

Submission:

Labcorp Genetics (formerly Invitae), Labcorp
Classification: Uncertain significance for ALG9 congenital disorder of glycosylation. Last evaluated: 2022-10-17. Review status: criteria provided, single submitter. Criteria: Invitae Variant Classification Sherloc (09022015). Collection method: clinical testing. Allele origin: germline.
Comment: In summary, the available evidence is currently insufficient to determine the role of this variant in disease. Therefore, it has been classified as a Variant of Uncertain Significance. Experimental studies and prediction algorithms are not available or were not evaluated, and the functional significance of this variant is currently unknown. ClinVar contains an entry for this variant (Variation ID: 1448207). This variant has not been reported in the literature in individuals affected with ALG9-related conditions. This variant is not present in population databases (gnomAD no frequency). This sequence change replaces threonine, which is neutral and polar, with lysine, which is basic and polar, at codon 20 of the ALG9 protein (p.Thr20Lys).